The following is an entry in ClinVar:

NM_003060.4(SLC22A5):c.635T>C (p.Val212Ala)

Gene: SLC22A5 (solute carrier family 22 member 5; plus strand). Cytogenetic location: 5q31.1.
Variant type: single nucleotide variant.
Coding change: c.635T>C on transcript NM_003060.4 (MANE Select); coding-DNA position 635, T replaced by C.
Protein change: p.Val212Ala; replaces valine 212 with alanine.
Molecular consequence: missense variant.
Genome position (GRCh38, 1-based): chr5:132,384,284, T>C. VCF-style: chr5-132384284-T-C. GRCh37 (hg19) VCF-style: chr5-131719976-T-C.
Other names: c.707T>C, p.Val236Ala (NM_001308122.2); short protein forms V236A, V212A.
Identifiers: ClinVar variation 657217 (VCV000657217.6), dbSNP rs1580884645, ClinGen allele CA360804895.

ClinVar aggregate classification (germline): Uncertain significance (1 of 4 stars; one submission).

Conditions:
Renal carnitine transport defect (CDSP). Also called: Carnitine transporter deficiency; Carnitine Deficiency, Systemic; Systemic primary carnitine deficiency disease; Primary carnitine deficiency; CARNITINE DEFICIENCY, SYSTEMIC, DUE TO DEFECT IN RENAL REABSORPTION OF CARNITINE; CARNITINE TRANSPORTER, PLASMA-MEMBRANE, DEFICIENCY OF. Identifiers: Orphanet 158, MedGen C0342788, MONDO:0008919, OMIM 212140.

Submission:

Labcorp Genetics (formerly Invitae), Labcorp
Classification: Uncertain significance for Renal carnitine transport defect. Last evaluated: 2018-08-15. Review status: criteria provided, single submitter. Criteria: Invitae Variant Classification Sherloc (09022015). Collection method: clinical testing. Allele origin: germline.
Comment: This variant is not present in population databases (ExAC no frequency). This sequence change replaces valine with alanine at codon 212 of the SLC22A5 protein (p.Val212Ala). The valine residue is highly conserved and there is a small physicochemical difference between valine and alanine. This variant has not been reported in the literature in individuals with SLC22A5-related disease. In summary, the available evidence is currently insufficient to determine the role of this variant in disease. Therefore, it has been classified as a Variant of Uncertain Significance. Algorithms developed to predict the effect of missense changes on protein structure and function (SIFT, PolyPhen-2, Align-GVGD) all suggest that this variant is likely to be tolerated, but these predictions have not been confirmed by published functional studies and their clinical significance is uncertain.